The following is an entry in ClinVar:

ClinVar aggregate classification (germline): Conflicting classifications of pathogenicity. Review status: criteria provided, conflicting classifications (1 of 4 stars). 2 submissions from 2 submitters: Uncertain significance (1); Likely benign (1). Last evaluated 2025-02-19.

Conditions:
Inborn genetic diseases. Identifiers: MedGen C0950123, MeSH D030342.
Hepatic veno-occlusive disease-immunodeficiency syndrome. Also called: Hepatic Veno-Occlusive Disease with Immunodeficiency. Identifiers: Orphanet 79124, MedGen C1856128, MONDO:0009338, OMIM 235550. Disease mechanism: loss of function.

Allele frequency attached by ClinVar (database versions not stated): gnomAD exomes below 0.00001.
gnomAD v4.1: 1 of 1,613,606 alleles (0.000062%); highest among the groups gnomAD compares: South Asian, 0.0011%; no homozygotes.

Submissions (2):

Labcorp Genetics (formerly Invitae), Labcorp
Classification: Uncertain significance for Hepatic veno-occlusive disease-immunodeficiency syndrome. Last evaluated: 2025-02-19. Review status: criteria provided, single submitter. Criteria: Invitae Variant Classification Sherloc (09022015). Collection method: clinical testing. Allele origin: germline.
Comment: This sequence change replaces serine, which is neutral and polar, with proline, which is neutral and non-polar, at codon 462 of the SP110 protein (p.Ser462Pro). This variant is not present in population databases (gnomAD no frequency). This variant has not been reported in the literature in individuals affected with SP110-related conditions. ClinVar contains an entry for this variant (Variation ID: 3167863). An algorithm developed to predict the effect of missense changes on protein structure and function outputs the following: PolyPhen-2: "Benign". The proline amino acid residue is found in multiple mammalian species, which suggests that this missense change does not adversely affect protein function. In summary, the available evidence is currently insufficient to determine the role of this variant in disease. Therefore, it has been classified as a Variant of Uncertain Significance.

Ambry Genetics
Classification: Likely benign for Inborn genetic diseases. Last evaluated: 2023-11-27. Review status: criteria provided, single submitter. Criteria: Ambry Variant Classification Scheme 2023. Collection method: clinical testing. Allele origin: germline.

NM_080424.4(SP110):c.1384T>C (p.Ser462Pro)

Gene: SP110 (SP110 nuclear body protein; minus strand). Cytogenetic location: 2q37.1.
Variant type: single nucleotide variant.
Coding change: c.1384T>C on transcript NM_080424.4 (MANE Select); coding-DNA position 1384, T replaced by C.
Protein change: p.Ser462Pro; replaces serine 462 with proline.
Molecular consequence: missense variant.
Genome position (GRCh38, 1-based): chr2:230,178,220, A>G on the plus strand (T>C on the coding strand, the complement: SP110 is on the minus strand). VCF-style: chr2-230178220-A-G. GRCh37 (hg19) VCF-style: chr2-231042936-A-G.
Other names: c.1402T>C, p.Ser468Pro (NM_001185015.2, NM_001378442.1, NM_001378444.1 and 2 more transcripts); c.1384T>C, p.Ser462Pro (NM_001378443.1, NM_004509.5, NM_004510.4); c.1234T>C, p.Ser412Pro (NM_001378447.1); short protein forms S462P, S412P, S468P.
Identifiers: ClinVar variation 3167863 (VCV003167863.2), dbSNP rs2469459667, ClinGen allele CA350904513.